The following is an entry in ClinVar:

ClinVar aggregate classification (germline): Benign/Likely benign. Review status: criteria provided, multiple submitters, no conflicts (2 of 4 stars). 3 submissions from 3 submitters: Benign (1); Likely benign (2). Last evaluated 2026-09-28.

Conditions:
Cardiovascular phenotype. Identifiers: MedGen CN230736.
Hereditary cancer-predisposing syndrome. Also called: Hereditary neoplastic syndrome; Neoplastic Syndromes, Hereditary; Tumor predisposition; Hereditary Cancer Syndrome. Identifiers: Orphanet 140162, MedGen C0027672, MeSH D009386, MONDO:0015356.
Neurofibromatosis, type 1 (NF1). Also called: VON RECKLINGHAUSEN DISEASE; Peripheral type neurofibromatosis; NEUROFIBROMATOSIS, TYPE I, SOMATIC; Neurofibromatosis, type I. Identifiers: Orphanet 636, MedGen C0027831, MONDO:0018975, OMIM 162200. Disease mechanism: loss of function.

Submissions (3):

Myriad Genetics, Inc.
Classification: Benign for Neurofibromatosis, type 1. Last evaluated: 2026-09-28. Review status: criteria provided, single submitter. Criteria: Myriad Autosomal Dominant, Autosomal Recessive and X-Linked Classification Criteria (2023). Collection method: clinical testing. Allele origin: unknown.
Comment: This variant is considered benign. This variant is a silent/synonymous amino acid change and it is not expected to impact splicing.

Labcorp Genetics (formerly Invitae), Labcorp
Classification: Likely benign for Neurofibromatosis, type 1. Last evaluated: 2023-03-02. Review status: criteria provided, single submitter. Criteria: Invitae Variant Classification Sherloc (09022015). Collection method: clinical testing. Allele origin: germline.

Ambry Genetics
Classification: Likely benign for Cardiovascular phenotype; Hereditary cancer-predisposing syndrome. Last evaluated: 2022-08-15. Review status: criteria provided, single submitter. Criteria: Ambry Variant Classification Scheme 2023. Collection method: clinical testing. Allele origin: germline.

NM_001042492.3(NF1):c.6135G>A (p.Leu2045=)

Gene: NF1 (neurofibromin 1; plus strand). Cytogenetic location: 17q11.2.
Variant type: single nucleotide variant.
Coding change: c.6135G>A on transcript NM_001042492.3 (MANE Select); coding-DNA position 6135, G replaced by A.
Protein change: p.Leu2045=; no amino-acid change (leucine 2045 retained).
Molecular consequence: synonymous variant.
Genome position (GRCh38, 1-based): chr17:31,336,461, G>A. VCF-style: chr17-31336461-G-A. GRCh37 (hg19) VCF-style: chr17-29663479-G-A.
Other names: c.6072G>A, p.Leu2024= (NM_000267.4).
Identifiers: ClinVar variation 1751402 (VCV001751402.6), dbSNP rs2508745625, ClinGen allele CA499446506.